The following is an entry in ClinVar:

NM_025216.3(WNT10A):c.632G>A (p.Trp211Ter)

Gene: WNT10A (Wnt family member 10A; plus strand). Cytogenetic location: 2q35.
Variant type: single nucleotide variant.
Coding change: c.632G>A on transcript NM_025216.3 (MANE Select); coding-DNA position 632, G replaced by A.
Protein change: p.Trp211Ter; replaces tryptophan 211 with a stop codon.
Molecular consequence: nonsense.
Genome position (GRCh38, 1-based): chr2:218,890,239, G>A. VCF-style: chr2-218890239-G-A. GRCh37 (hg19) VCF-style: chr2-219754961-G-A.
Other names: short protein forms W211*.
Identifiers: ClinVar variation 942039 (VCV000942039.8), dbSNP rs1156948793, ClinGen allele CA350586801.
Genomic context (GRCh38, chr2:218,890,239, plus strand): 5'-GGGTCCCGGAACACCCAGCCCTGCCCACAGCCAGCCCAGGCCTGCAGGACTCCTGGGAGT[G>A]GGGCGGCTGCAGCCCCGACATGGGCTTCGGGGAGCGCTTTTCTAAGGACTTTCTGGACTC-3'

ClinVar aggregate classification (germline): Pathogenic (1 of 4 stars; one submission).

Conditions:
Tooth agenesis, selective, 4 (STHAG4). Also called: LATERAL INCISORS, ABSENCE OF; LATERAL INCISORS, PEGGED OR MISSING; SUCCEDANEOUS TEETH, AGENESIS OF; TOOTH AGENESIS, SELECTIVE, 4, WITH OR WITHOUT ECTODERMAL DYSPLASIA. Identifiers: Orphanet 99798, MedGen C1835492, MONDO:0007881, OMIM 150400. Disease mechanism: loss of function.
Odonto-onycho-dermal dysplasia. Identifiers: Orphanet 2721, MedGen C0796093, MONDO:0009773, OMIM 257980.

Allele frequency attached by ClinVar (database versions not stated): TOPMed below 0.00001; gnomAD 0.00001; gnomAD exomes 0.00001.

Submission:

Labcorp Genetics (formerly Invitae), Labcorp
Classification: Pathogenic for Tooth agenesis, selective, 4; Odonto-onycho-dermal dysplasia. Last evaluated: 2021-12-22. Review status: criteria provided, single submitter. Criteria: Invitae Variant Classification Sherloc (09022015). Collection method: clinical testing. Allele origin: germline.
Comment: This sequence change creates a premature translational stop signal (p.Trp211*) in the WNT10A gene. It is expected to result in an absent or disrupted protein product. Loss-of-function variants in WNT10A are known to be pathogenic (PMID: 17847007, 22581971, 25629078). This variant is not present in population databases (gnomAD no frequency). This variant has not been reported in the literature in individuals affected with WNT10A-related conditions. ClinVar contains an entry for this variant (Variation ID: 942039). For these reasons, this variant has been classified as Pathogenic.

Literature cited by the submitters: PubMed 17847007; PubMed 22581971; PubMed 25629078.